The following is an entry in ClinVar:

NM_000051.4(ATM):c.8200A>T (p.Met2734Leu)

Genes: ATM (ATM serine/threonine kinase; plus strand), C11orf65 (chromosome 11 open reading frame 65; minus strand). Cytogenetic location: 11q22.3.
Variant type: single nucleotide variant.
Coding change: c.8200A>T on transcript NM_000051.4 (MANE Select); coding-DNA position 8200, A replaced by T.
Protein change: p.Met2734Leu; replaces methionine 2734 with leucine.
Molecular consequence: missense variant. On other transcripts: intron variant (2).
Genome position (GRCh38, 1-based): chr11:108,335,893, A>T. VCF-style: chr11-108335893-A-T. GRCh37 (hg19) VCF-style: chr11-108206620-A-T.
Other names: c.8200A>T, p.Met2734Leu (NM_001351834.2); c.641-26822T>A (NM_001330368.2); c.695-601T>A (NM_001351110.2); short protein forms M2734L.
Identifiers: ClinVar variation 2625001 (VCV002625001.2), dbSNP rs2547346657, ClinGen allele CA382562559.
Genomic context (GRCh38, chr11:108,335,893, plus strand): 5'-ATTATTCTGAAGGGCCGTGATGACCTGAGACAAGATGCTGTCATGCAACAGGTCTTCCAG[A>T]TGTGTAATACATTACTGCAGAGAAACACGGAAACTAGGAAGAGGAAATTAACTATCTGTA-3'
Protein context (NP_000042.3, residues 2724-2744): QDAVMQQVFQ[Met2734Leu]CNTLLQRNTE

ClinVar aggregate classification (germline): Uncertain significance (1 of 4 stars; one submission).

Conditions:
Hereditary cancer-predisposing syndrome. Also called: Hereditary Cancer Syndrome; Hereditary neoplastic syndrome; Neoplastic Syndromes, Hereditary; Tumor predisposition. Identifiers: Orphanet 140162, MedGen C0027672, MeSH D009386, MONDO:0015356.

Submission:

Ambry Genetics
Classification: Uncertain significance for Hereditary cancer-predisposing syndrome. Last evaluated: 2023-06-30. Review status: criteria provided, single submitter. Criteria: Ambry Variant Classification Scheme 2023. Collection method: clinical testing. Allele origin: germline.
Comment: The p.M2734L variant (also known as c.8200A>T), located in coding exon 55 of the ATM gene, results from an A to T substitution at nucleotide position 8200. The methionine at codon 2734 is replaced by leucine, an amino acid with highly similar properties. This alteration was identified in 0 of 13087 breast cancer cases and 1 of 5488 control individuals in the UK (Decker B et al. J Med Genet, 2017 Nov;54:732-741). This amino acid position is highly conserved in available vertebrate species. In addition, this alteration is predicted to be tolerated by in silico analysis. Since supporting evidence is limited at this time, the clinical significance of this alteration remains unclear.

Literature cited by the submitters: PubMed 28779002.